The following is an entry in ClinVar:

ClinVar aggregate classification (germline): Conflicting classifications of pathogenicity. Review status: criteria provided, conflicting classifications (1 of 4 stars). 6 submissions from 4 submitters: Uncertain significance (1); Benign (1); Likely benign (4). Last evaluated 2026-01-20.

Conditions:
Retinitis pigmentosa (RP). Identifiers: Orphanet 791, MedGen C0035334, MeSH D012174, MONDO:0019200, OMIM 268000. Inheritance: Autosomal dominant, autosomal recessive and X linked inheritance.
Pigmentary retinal dystrophy. Also called: Fundus albipunctatus. Identifiers: Orphanet 227796, Orphanet 52427, MedGen C0311338, MONDO:0007639, OMIM 136880, HP:0030642.
Newfoundland cone-rod dystrophy. Identifiers: MedGen C1843815, MONDO:0011839, OMIM 607476.

Allele frequency attached by ClinVar (database versions not stated): gnomAD exomes 0.00021 and 0.00066; ExAC 0.00069; ESP Exome Variant Server 0.00246; gnomAD 0.00253 and 0.00272; 1000 Genomes Project 0.00260; 1000 Genomes Project 30x 0.00265; TOPMed 0.00269.

Submissions (6):

Labcorp Genetics (formerly Invitae), Labcorp
Classification: Likely benign. Last evaluated: 2026-01-20. Review status: criteria provided, single submitter. Criteria: Invitae Variant Classification Sherloc (09022015). Collection method: clinical testing. Allele origin: germline.

Blueprint Genetics
Classification: Likely benign. Last evaluated: 2024-09-13. Review status: criteria provided, single submitter. Criteria: ACMG Guidelines, 2015. Collection method: clinical testing. Allele origin: germline.

Illumina Laboratory Services, Illumina
Classification: Likely benign for Newfoundland cone-rod dystrophy. Last evaluated: 2018-01-13. Review status: criteria provided, single submitter. Criteria: ICSL Variant Classification Criteria 13 December 2019. Collection method: clinical testing. Allele origin: germline.
Comment: This variant was observed in the ICSL laboratory as part of a predisposition screen in an ostensibly healthy population. It had not been previously curated by ICSL or reported in the Human Gene Mutation Database (HGMD: prior to June 1st, 2018), and was therefore a candidate for classification through an automated scoring system. Utilizing variant allele frequency, disease prevalence and penetrance estimates, and inheritance mode, an automated score was calculated to assess if this variant is too frequent to cause the disease. Based on the score and internal cut-off values, a variant classified as likely benign is not then subjected to further curation. The score for this variant resulted in a classification of likely benign for this disease.

Illumina Laboratory Services, Illumina
Classification: Uncertain significance for Retinitis pigmentosa. Last evaluated: 2018-01-13. Review status: criteria provided, single submitter. Criteria: ICSL Variant Classification Criteria 13 December 2019. Collection method: clinical testing. Allele origin: germline.

Illumina Laboratory Services, Illumina
Classification: Likely benign for Pigmentary retinal dystrophy. Last evaluated: 2018-01-13. Review status: criteria provided, single submitter. Criteria: ICSL Variant Classification Criteria 13 December 2019. Collection method: clinical testing. Allele origin: germline.
Comment: the same text as in the submission from Illumina Laboratory Services, Illumina above.

Eurofins Ntd Llc (ga)
Classification: Benign. Last evaluated: 2014-10-07. Review status: criteria provided, single submitter. Criteria: EGL Classification Definitions 2015. Collection method: clinical testing. Allele origin: germline. Observed: 1 variant allele, 1 heterozygote.

NM_000326.5(RLBP1):c.29T>A (p.Met10Lys)

Gene: RLBP1 (retinaldehyde binding protein 1; minus strand). Cytogenetic location: 15q26.1.
Variant type: single nucleotide variant.
Coding change: c.29T>A on transcript NM_000326.5 (MANE Select); coding-DNA position 29, T replaced by A.
Protein change: p.Met10Lys; replaces methionine 10 with lysine.
Molecular consequence: missense variant.
Genome position (GRCh38, 1-based): chr15:89,218,677, A>T on the plus strand (T>A on the coding strand, the complement: RLBP1 is on the minus strand). VCF-style: chr15-89218677-A-T. GRCh37 (hg19) VCF-style: chr15-89761908-A-T.
Other names: short protein forms M10K.
Identifiers: ClinVar variation 197133 (VCV000197133.20), dbSNP rs77384282, ClinGen allele CA202707.